The following is an entry in ClinVar:

NM_000038.6(APC):c.835-1830C>T

Gene: APC (APC regulator of WNT signaling pathway; plus strand). Cytogenetic location: 5q22.2.
Variant type: single nucleotide variant.
Coding change: c.835-1830C>T on transcript NM_000038.6 (MANE Select); 1830 bases into the intron before coding-DNA position 835, C replaced by T.
Molecular consequence: intron variant.
Genome position (GRCh38, 1-based): chr5:112,813,665, C>T. VCF-style: chr5-112813665-C-T. GRCh37 (hg19) VCF-style: chr5-112149362-C-T.
Other names: c.835-1830C>T (NM_001354895.2, NM_001127510.3, NM_001354896.2 and 1 more transcripts); c.865-1830C>T (NM_001354897.2, NM_001354902.2); c.781-1830C>T (NM_001127511.3); c.760-1830C>T (NM_001354898.2, NM_001354904.2); c.-15-1830C>T (NM_001354906.2); c.751-1830C>T (NM_001354899.2); c.658-1830C>T (NM_001354900.2, NM_001354901.2, NM_001354905.2).
Identifiers: ClinVar variation 82549 (VCV000082549.2), dbSNP rs77977086, ClinGen allele CA015128.
Genomic context (GRCh38, chr5:112,813,665, plus strand): 5'-CAGGGAAGAAAAGTTTCTAATACGTCACCATAGCTGGGCTCATTGGCTCGTGCCTGTAGT[C>T]CCGGCTACTCTGGAGGCTGAGGTGAGAGGATCACTTGAGCCAAAGAATTCAGAGCCAGCC-3'

ClinVar aggregate classification (germline): other (0 of 4 stars; one submission).

Conditions:
Familial colorectal cancer. Identifiers: MedGen CN280943, MONDO:0023113. Disease mechanism: loss of function.

Allele frequency attached by ClinVar (database versions not stated): gnomAD 0.00001; TOPMed 0.00001.
gnomAD v4.1: 2 of 151,782 alleles (0.0013%); highest among the groups gnomAD compares: African/African-American, 0.0024%; no homozygotes.

Submission:

Systems Biology Platform Zhejiang California International NanoSystems Institute
Classification: other for Familial colorectal cancer. Review status: no assertion criteria provided. Collection method: not provided. Allele origin: unknown.
ClinVar note: Converted during submission from cancer to other.